The following is an entry in ClinVar:

ClinVar aggregate classification (germline): Uncertain significance (0 of 4 stars; one submission).

Conditions:
VWA2-related disorder. Also called: VWA2-related condition.

Allele frequency attached by ClinVar (database versions not stated): gnomAD exomes 0.00001; ExAC 0.00003; ESP Exome Variant Server 0.00008; gnomAD 0.00013; TOPMed 0.00015; 1000 Genomes Project 30x 0.00016; 1000 Genomes Project 0.00020.
gnomAD v4.1: 35 of 1,614,014 alleles (0.0022%); highest among the groups gnomAD compares: African/African-American, 0.037%; no homozygotes.

Submission:

PreventionGenetics, part of Exact Sciences
Classification: Uncertain significance for VWA2-related condition. Last evaluated: 2023-12-28. Review status: no assertion criteria provided. Collection method: clinical testing. Allele origin: germline.
Comment: The VWA2 c.1253G>A variant is predicted to result in the amino acid substitution p.Gly418Asp. To our knowledge, this variant has not been reported in the literature. This variant is reported in 0.040% of alleles in individuals of African descent in gnomAD. At this time, the clinical significance of this variant is uncertain due to the absence of conclusive functional and genetic evidence.

NM_001272046.2(VWA2):c.1253G>A (p.Gly418Asp)

Genes: AFAP1L2 (actin filament associated protein 1 like 2; minus strand), VWA2 (von Willebrand factor A domain containing 2; plus strand). Cytogenetic location: 10q25.3.
Variant type: single nucleotide variant.
Coding change: c.1253G>A on transcript NM_001272046.2 (MANE Select); coding-DNA position 1253, G replaced by A.
Protein change: p.Gly418Asp; replaces glycine 418 with aspartic acid.
Molecular consequence: missense variant.
Genome position (GRCh38, 1-based): chr10:114,286,194, G>A. VCF-style: chr10-114286194-G-A. GRCh37 (hg19) VCF-style: chr10-116045953-G-A.
Other names: c.1253G>A, p.Gly418Asp (NM_001320804.1); short protein forms G418D.
Identifiers: ClinVar variation 3045576 (VCV003045576.2), dbSNP rs147199528, ClinGen allele CA5700633.